The following is an entry in ClinVar:

NM_032531.4(KIRREL3):c.772C>T (p.Pro258Ser)

Gene: KIRREL3 (kirre like nephrin family adhesion molecule 3; minus strand). Cytogenetic location: 11q24.2.
Variant type: single nucleotide variant.
Coding change: c.772C>T on transcript NM_032531.4 (MANE Select); coding-DNA position 772, C replaced by T.
Protein change: p.Pro258Ser; replaces proline 258 with serine.
Molecular consequence: missense variant.
Genome position (GRCh38, 1-based): chr11:126,456,425, G>A on the plus strand (C>T on the coding strand, the complement: KIRREL3 is on the minus strand). VCF-style: chr11-126456425-G-A. GRCh37 (hg19) VCF-style: chr11-126326320-G-A.
Other names: c.772C>T, p.Pro258Ser (NM_001161707.2, NM_001301097.2, NM_001441251.1 and 5 more transcripts); c.880C>T, p.Pro294Ser (NM_001441252.1); c.811C>T, p.Pro271Ser (NM_001441254.1, NM_001441256.1, NM_001441263.1); c.730C>T, p.Pro244Ser (NM_001441255.1, NM_001441259.1, NM_001441260.1); c.622C>T, p.Pro208Ser (NM_001441262.1); short protein forms P208S, P244S, P258S, P271S, P294S.
Identifiers: ClinVar variation 4975140 (VCV004975140.1).

ClinVar aggregate classification (germline): Uncertain significance (1 of 4 stars; one submission).

Submission:

GeneDx
Classification: Uncertain significance. Last evaluated: 2025-05-14. Review status: criteria provided, single submitter. Criteria: GeneDx Variant Classification Process June 2021. Collection method: clinical testing. Allele origin: germline.
Comment: Not observed at significant frequency in large population cohorts (gnomAD); In silico analysis supports that this missense variant has a deleterious effect on protein structure/function; Has not been previously published as pathogenic or benign to our knowledge; Variants in candidate genes are classified as variants of uncertain significance in accordance with ACMG guidelines (PMID: 25741868)